The following is an entry in ClinVar:

ClinVar aggregate classification (germline): Likely pathogenic. Review status: criteria provided, single submitter (1 of 4 stars). 2 submissions from 2 submitters: Likely pathogenic (1). 1 of the submissions does not count toward it. Last evaluated 2016-10-31.

Conditions:
ALG11-congenital disorder of glycosylation. Also called: CONGENITAL DISORDER OF GLYCOSYLATION, TYPE Ip; ALG11-CDG. Identifiers: Orphanet 280071, MedGen C3150913, MONDO:0013349, OMIM 613661.

Allele frequency attached by ClinVar (database versions not stated): TOPMed below 0.00001.
gnomAD v4.1: 5 of 1,614,178 alleles (0.00031%); highest among the groups gnomAD compares: Non-Finnish European, 0.00042%; no homozygotes.

Submissions (2):

GeneDx
Classification: Likely pathogenic. Last evaluated: 2016-10-31. Review status: criteria provided, single submitter. Criteria: GeneDx Variant Classification (06012015). Collection method: clinical testing. Allele origin: germline. Affected: yes.
Comment: The M408R variant in the ALG11 gene has not been reported previously as a pathogenic variant, nor as a benign variant, to our knowledge. The M408R variant was not observed in approximately 6500 individuals of European and African American ancestry in the NHLBI Exome Sequencing Project, indicating it is not a common benign variant in these populations. The M408R variant is a non-conservative amino acid substitution, which is likely to impact secondary protein structure as these residues differ in polarity, charge, size and/or other properties. This substitution occurs at a position that is conserved across species. In silico analysis predicts this variant is probably damaging to the protein structure/function. The M408R variant is a strong candidate for a pathogenic variant, however the possibility it may be a rare benign variant cannot be excluded.

OMIM
Classification: Pathogenic for CONGENITAL DISORDER OF GLYCOSYLATION, TYPE Ip. Last evaluated: 2020-07-08. Review status: no assertion criteria provided. Collection method: literature only. Allele origin: germline. Not counted in ClinVar's aggregate classification.

Literature cited by the submitters: PubMed 30676690 (cited by OMIM).

NM_001004127.3(ALG11):c.1223T>G (p.Met408Arg)

Genes: ALG11 (ALG11 alpha-1,2-mannosyltransferase; plus strand), UTP14C (UTP14C small subunit processome component; plus strand). Cytogenetic location: 13q14.3.
Variant type: single nucleotide variant.
Coding change: c.1223T>G on transcript NM_001004127.3 (MANE Select); coding-DNA position 1223, T replaced by G.
Protein change: p.Met408Arg; replaces methionine 408 with arginine.
Molecular consequence: missense variant. On other transcripts: non-coding transcript variant (1), 5 prime UTR variant (1).
Genome position (GRCh38, 1-based): chr13:52,028,334, T>G. VCF-style: chr13-52028334-T-G. GRCh37 (hg19) VCF-style: chr13-52602470-T-G.
Other names: c.-471T>G (NM_021645.6); short protein forms M408R.
Identifiers: ClinVar variation 422476 (VCV000422476.2), dbSNP rs1064795803, ClinGen allele CA16619817.
Genomic context (GRCh38, chr13:52,028,334, plus strand): 5'-ACTCAAAAACTTAAAAGATTACATGATTTGTGTTTTTTTTCTCAGGAGTTGTGGAGTGTA[T>G]GGCAGCTGGCACAATTATCCTTGCACACAATTCGGGGGGCCCAAAGCTTGACATTGTGGT-3'
Protein context (NP_001004127.2, residues 398-418): EHFGIGVVEC[Met408Arg]AAGTIILAHN